The following is an entry in ClinVar:

ClinVar aggregate classification (germline): Benign/Likely benign. Review status: criteria provided, multiple submitters, no conflicts (2 of 4 stars). 8 submissions from 8 submitters: Benign (1); Likely benign (5). 2 of the submissions do not count toward it. Last evaluated 2026-01-23.

Conditions:
Fraser syndrome 1 (FRASRS1). Also called: CRYPTOPHTHALMOS WITH OTHER MALFORMATIONS. Identifiers: Orphanet 2052, MedGen C4551480, MONDO:0054737, OMIM 219000.

Allele frequency attached by ClinVar (database versions not stated): ESP Exome Variant Server 0.00040; gnomAD 0.00052 and 0.00070; TOPMed 0.00066; gnomAD exomes 0.00085 and 0.00123; 1000 Genomes Project 30x 0.00094; 1000 Genomes Project 0.00100; ExAC 0.00147.
gnomAD v4.1: 1,374 of 1,613,940 alleles (0.085%); highest among the groups gnomAD compares: Middle Eastern, 1.3%; 10 homozygotes.

Submissions (8):

Labcorp Genetics (formerly Invitae), Labcorp
Classification: Benign. Last evaluated: 2026-01-23. Review status: criteria provided, single submitter. Criteria: Invitae Variant Classification Sherloc (09022015). Collection method: clinical testing. Allele origin: germline.

Blueprint Genetics
Classification: Likely benign. Last evaluated: 2024-11-25. Review status: criteria provided, single submitter. Criteria: ACMG Guidelines, 2015. Collection method: clinical testing. Allele origin: germline.

CeGaT Center for Human Genetics Tuebingen
Classification: Likely benign. Last evaluated: 2022-05-01. Review status: criteria provided, single submitter. Criteria: CeGaT Center For Human Genetics Tuebingen Variant Classification Criteria Version 2. Collection method: clinical testing. Allele origin: germline. Affected: yes. Observed: 2 variant alleles.
Comment: FRAS1: BP4, BP7

Genetic Services Laboratory, University of Chicago
Classification: Likely benign. Last evaluated: 2018-11-08. Review status: criteria provided, single submitter. Criteria: ACMG Guidelines, 2015. Collection method: clinical testing. Allele origin: germline. Affected: no.

Illumina Laboratory Services, Illumina
Classification: Likely benign for Fraser syndrome 1. Last evaluated: 2018-01-12. Review status: criteria provided, single submitter. Criteria: ICSL Variant Classification Criteria 13 December 2019. Collection method: clinical testing. Allele origin: germline.
Comment: This variant was observed in the ICSL laboratory as part of a predisposition screen in an ostensibly healthy population. It had not been previously curated by ICSL or reported in the Human Gene Mutation Database (HGMD: prior to June 1st, 2018), and was therefore a candidate for classification through an automated scoring system. Utilizing variant allele frequency, disease prevalence and penetrance estimates, and inheritance mode, an automated score was calculated to assess if this variant is too frequent to cause the disease. Based on the score and internal cut-off values, a variant classified as likely benign is not then subjected to further curation. The score for this variant resulted in a classification of likely benign for this disease.

Breakthrough Genomics
Classification: Likely benign. Review status: criteria provided, single submitter. Criteria: ACMG Guidelines, 2015. Collection method: not provided. Allele origin: germline. Inheritance: Autosomal recessive inheritance. Affected: yes.

Clinical Genetics DNA and cytogenetics Diagnostics Lab, Erasmus MC, Erasmus Medical Center
Classification: Likely benign. Review status: no assertion criteria provided. Collection method: clinical testing. Allele origin: germline. Affected: yes. Study: VKGL Data-share Consensus. Not counted in ClinVar's aggregate classification.

Genome Diagnostics Laboratory, University Medical Center Utrecht
Classification: Likely benign. Review status: no assertion criteria provided. Collection method: clinical testing. Allele origin: germline. Affected: yes. Study: VKGL Data-share Consensus. Not counted in ClinVar's aggregate classification.

NM_025074.7(FRAS1):c.6939C>T (p.Pro2313=)

Gene: FRAS1 (Fraser extracellular matrix complex subunit 1; plus strand). Cytogenetic location: 4q21.21.
Variant type: single nucleotide variant.
Coding change: c.6939C>T on transcript NM_025074.7 (MANE Select); coding-DNA position 6939, C replaced by T.
Protein change: p.Pro2313=; no amino-acid change (proline 2313 retained).
Molecular consequence: synonymous variant.
Genome position (GRCh38, 1-based): chr4:78,464,493, C>T. VCF-style: chr4-78464493-C-T. GRCh37 (hg19) VCF-style: chr4-79385647-C-T.
Identifiers: ClinVar variation 349746 (VCV000349746.58), dbSNP rs150936204, ClinGen allele CA2977938.